The following is an entry in ClinVar:

NM_001267550.2(TTN):c.103363C>A (p.Arg34455Ser)

Genes: TTN (titin; minus strand), TTN-AS1 (TTN antisense RNA 1; plus strand). Cytogenetic location: 2q31.2.
Variant type: single nucleotide variant.
Coding change: c.103363C>A on transcript NM_001267550.2 (MANE Select); coding-DNA position 103363, C replaced by A.
Protein change: p.Arg34455Ser; replaces arginine 34455 with serine.
Molecular consequence: missense variant.
Genome position (GRCh38, 1-based): chr2:178,533,252, G>T on the plus strand (C>A on the coding strand, the complement: TTN is on the minus strand). VCF-style: chr2-178533252-G-T. GRCh37 (hg19) VCF-style: chr2-179397979-G-T.
Other names: c.98440C>A, p.Arg32814Ser (NM_001256850.1); c.76168C>A, p.Arg25390Ser (NM_003319.4); c.95659C>A, p.Arg31887Ser (NM_133378.4); c.76543C>A, p.Arg25515Ser (NM_133432.3); c.76744C>A, p.Arg25582Ser (NM_133437.4); short protein forms R31887S, R25515S, R32814S, R34455S, R25390S, R25582S.
Identifiers: ClinVar variation 1477438 (VCV001477438.8), dbSNP rs72629785, ClinGen allele CA349414441.

ClinVar aggregate classification (germline): Uncertain significance (1 of 4 stars; one submission).

Conditions:
Dilated cardiomyopathy 1G (CMD1G). Identifiers: Orphanet 154, MedGen C1858763, MONDO:0011400, OMIM 604145.
Autosomal recessive limb-girdle muscular dystrophy type 2J (LGMDR10). Also called: MUSCULAR DYSTROPHY, LIMB-GIRDLE, AUTOSOMAL RECESSIVE 10; Limb-girdle muscular dystrophy, type 2J. Identifiers: Orphanet 140922, MedGen C1837342, MONDO:0012127, OMIM 608807.

gnomAD v4.1: 6 of 1,613,918 alleles (0.00037%); highest among the groups gnomAD compares: Admixed American, 0.0017%; no homozygotes.

Submission:

Labcorp Genetics (formerly Invitae), Labcorp
Classification: Uncertain significance for Dilated cardiomyopathy 1G; Autosomal recessive limb-girdle muscular dystrophy type 2J. Last evaluated: 2022-08-31. Review status: criteria provided, single submitter. Criteria: Invitae Variant Classification Sherloc (09022015). Collection method: clinical testing. Allele origin: germline.
Comment: Experimental studies and prediction algorithms are not available or were not evaluated, and the functional significance of this variant is currently unknown. This variant is located in the M band of TTN (PMID: 25589632). Variants in this region may be relevant for neuromuscular disorders, but have not been definitively shown to cause cardiomyopathy (PMID: 23975875). In summary, the available evidence is currently insufficient to determine the role of this variant in disease. Therefore, it has been classified as a Variant of Uncertain Significance. ClinVar contains an entry for this variant (Variation ID: 1477438). This sequence change replaces arginine, which is basic and polar, with serine, which is neutral and polar, at codon 34455 of the TTN protein (p.Arg34455Ser). This variant is present in population databases (no rsID available, gnomAD 0.003%). This variant has not been reported in the literature in individuals affected with TTN-related conditions.

Literature cited by the submitters: PubMed 25589632; PubMed 23975875.